The following is an entry in ClinVar:

ClinVar aggregate classification (germline): Pathogenic. Review status: criteria provided, multiple submitters, no conflicts (2 of 4 stars). 8 submissions from 7 submitters: Pathogenic (7). 1 of the submissions does not count toward it. Last evaluated 2024-03-08.

Conditions:
Rare genetic deafness. Identifiers: Orphanet 96210, MedGen C5680250.
Retinal dystrophy. Also called: Inherited retinal dystrophy. Identifiers: Orphanet 71862, MedGen C0854723, MeSH D058499, MONDO:0019118, HP:0000556.
Retinitis pigmentosa 39 (RP39). Identifiers: Orphanet 791, MedGen C3151138, MONDO:0013436, OMIM 613809.
Usher syndrome type 2A. Also called: RETINAL DISEASE IN USHER SYNDROME TYPE IIA, MODIFIER OF; USHER SYNDROME, TYPE IIA. Identifiers: Orphanet 231178, Orphanet 886, MedGen C1848634, MONDO:0010169, OMIM 276901.

Submissions (8):

Fulgent Genetics
Classification: Pathogenic for Usher syndrome type 2A; Retinitis pigmentosa 39. Last evaluated: 2024-03-08. Review status: criteria provided, single submitter. Criteria: ACMG Guidelines, 2015. Collection method: clinical testing. Allele origin: germline.

Genome-Nilou Lab
Classification: Pathogenic for Retinitis pigmentosa 39. Last evaluated: 2023-11-04. Review status: criteria provided, single submitter. Criteria: ACMG Guidelines, 2015. Collection method: clinical testing. Allele origin: germline. Affected: no.

Genome-Nilou Lab
Classification: Pathogenic for Usher syndrome type 2A. Last evaluated: 2023-11-04. Review status: criteria provided, single submitter. Criteria: ACMG Guidelines, 2015. Collection method: clinical testing. Allele origin: germline. Affected: no.

Baylor Genetics
Classification: Pathogenic for Retinitis pigmentosa 39. Last evaluated: 2022-12-19. Review status: criteria provided, single submitter. Criteria: ACMG Guidelines, 2015. Collection method: clinical testing. Allele origin: unknown.

Eurofins Ntd Llc (ga)
Classification: Pathogenic. Last evaluated: 2015-10-01. Review status: criteria provided, single submitter. Criteria: EGL Classification Definitions 2015. Collection method: clinical testing. Allele origin: germline. Observed: 2 variant alleles, 2 heterozygotes.

Institute of Human Genetics, Univ. Regensburg, Univ. Regensburg
Classification: Pathogenic for Retinal dystrophy. Last evaluated: 2015-01-01. Review status: criteria provided, single submitter. Criteria: ACMG Guidelines, 2015. Collection method: clinical testing. Allele origin: germline. Affected: yes.

Laboratory for Molecular Medicine, Mass General Brigham Personalized Medicine
Classification: Pathogenic for Rare genetic deafness. Last evaluated: 2011-08-26. Review status: criteria provided, single submitter. Criteria: LMM Criteria. Collection method: clinical testing. Allele origin: germline. Observed: 3 variant alleles.
Comment: The Lys3397fs variant in USH2A has been reported in 1 proband with Usher syndrom e type 2 (Sandberg, 2008; McGee 2010). The Lys3397fs variant is predicted to cau se a frameshift, which alters the protein's amino acid sequence beginning at cod on 3397 and leads to a premature stop codon 20 codons downstream. This alteratio n is then predicted to lead to a truncated or absent protein. In summary, this v ariant meets our criteria to be classified as pathogenic.

Counsyl
Classification: Likely pathogenic for Retinitis pigmentosa 39. Last evaluated: 2017-08-24. Review status: no assertion criteria provided. Collection method: clinical testing. Allele origin: unknown. Not counted in ClinVar's aggregate classification.

Literature cited by the submitters: PubMed 18641288 (cited by 3 submitters); PubMed 20507924 (cited by 4 submitters); PubMed 31054281 (cited by Institute of Human Genetics, Univ. Regensburg, Univ. Regensburg); PubMed 32188678 (cited by Institute of Human Genetics, Univ. Regensburg, Univ. Regensburg); PubMed 34948090 (cited by Institute of Human Genetics, Univ. Regensburg, Univ. Regensburg).

NM_206933.4(USH2A):c.10190_10191del (p.Lys3397fs)

Gene: USH2A (usherin; minus strand). Cytogenetic location: 1q41.
Variant type: Deletion.
Coding change: c.10190_10191del on transcript NM_206933.4 (MANE Select); coding-DNA positions 10190 to 10191, 2 bases deleted (AA; older notation c.10190_10191delAA).
Protein change: p.Lys3397fs; shifts the reading frame from lysine 3397.
Molecular consequence: frameshift variant.
Genome position (GRCh38, 1-based): chr1:215,786,866-215,786,867, TT deleted on the plus strand (AA on the coding strand, the reverse complement: USH2A is on the minus strand); deleting any 2 consecutive bases within chr1:215,786,866-215,786,868 gives the same sequence; the c. name uses the placement nearest the transcript's 3' end. VCF-style (leftmost placement, unchanged base first): chr1-215786865-CTT-C. GRCh37 (hg19) VCF-style: chr1-215960207-CTT-C.
Other names: short protein forms K3397fs.
Identifiers: ClinVar variation 48343 (VCV000048343.16), dbSNP rs397517964, ClinGen allele CA262053.
Genomic context (GRCh38, chr1:215,786,865, plus strand): 5'-AGTCACACCTGCCACAATGTTCTGTGGCTTCCATAGATGCTGGGCAGAGGATCCTGCACT[CTT>C]TGGTTTCCTGAGTCAAGTGGCAGGGGTGAGAGAGAGAGGGGTATTTAAAAATTTCATTTA-3'